The following is an entry in ClinVar:

ClinVar aggregate classification (germline): Uncertain significance (1 of 4 stars; one submission).

Conditions:
Neurofibromatosis, type 1 (NF1). Also called: Peripheral type neurofibromatosis; VON RECKLINGHAUSEN DISEASE; NEUROFIBROMATOSIS, TYPE I, SOMATIC; Neurofibromatosis, type I. Identifiers: Orphanet 636, MedGen C0027831, MONDO:0018975, OMIM 162200. Disease mechanism: loss of function.

Submission:

3billion
Classification: Uncertain significance for Neurofibromatosis, type 1. Last evaluated: 2023-07-17. Review status: criteria provided, single submitter. Criteria: ACMG Guidelines, 2015. Collection method: clinical testing. Allele origin: germline. Affected: yes.
Comment: The variant is not observed in the gnomAD v2.1.1 dataset. Predicted Consequence/Location: Missense variant In silico tool predictions suggest damaging effect of the variant on gene or gene product (REVEL: 0.70; 3Cnet: 0.98). A different missense change at the same codon (p.Leu549Pro) has been reported as pathogenic/likely pathogenic with strong evidence (ClinVar ID: VCV000068303 /PMID: 10712197). Therefore, this variant is classified as VUS according to the recommendation of ACMG/AMP guideline.

Literature cited by the submitters: PubMed 10712197.

NM_001042492.3(NF1):c.1646T>A (p.Leu549Gln)

Gene: NF1 (neurofibromin 1; plus strand). Cytogenetic location: 17q11.2.
Variant type: single nucleotide variant.
Coding change: c.1646T>A on transcript NM_001042492.3 (MANE Select); coding-DNA position 1646, T replaced by A.
Protein change: p.Leu549Gln; replaces leucine 549 with glutamine.
Molecular consequence: missense variant.
Genome position (GRCh38, 1-based): chr17:31,221,854, T>A. VCF-style: chr17-31221854-T-A. GRCh37 (hg19) VCF-style: chr17-29548872-T-A.
Other names: c.1646T>A, p.Leu549Gln (NM_001128147.3, NM_000267.4); short protein forms L549Q.
Identifiers: ClinVar variation 3775569 (VCV003775569.1).